The following is an entry in ClinVar:

NM_130839.5(UBE3A):c.2183A>C (p.Lys728Thr)

Genes: SNHG14 (small nucleolar RNA host gene 14; plus strand), UBE3A (ubiquitin protein ligase E3A; minus strand). Cytogenetic location: 15q11.2.
Variant type: single nucleotide variant.
Coding change: c.2183A>C on transcript NM_130839.5 (MANE Select); coding-DNA position 2183, A replaced by C.
Protein change: p.Lys728Thr; replaces lysine 728 with threonine.
Molecular consequence: missense variant. On other transcripts: non-coding transcript variant (1), intron variant (3).
Genome position (GRCh38, 1-based): chr15:25,354,625, T>G on the plus strand (A>C on the coding strand, the complement: UBE3A is on the minus strand). VCF-style: chr15-25354625-T-G. GRCh37 (hg19) VCF-style: chr15-25599772-T-G.
Other names: c.2123A>C, p.Lys708Thr (NM_001354541.2, NM_001354542.2, NM_001354543.2 and 14 more transcripts); c.2006A>C, p.Lys669Thr (NM_001354546.2); c.1958A>C, p.Lys653Thr (NM_001354549.2); c.932A>C, p.Lys311Thr (NM_001354550.2); c.872A>C, p.Lys291Thr (NM_001354551.2); c.2192A>C, p.Lys731Thr (NM_000462.5); c.2183A>C, p.Lys728Thr (NM_001354505.1, NM_001354538.2); c.2065-199A>C (NM_001354548.2, NM_001354547.2); and 1 more; short protein forms K311T, K291T, K708T, K669T, K731T, K653T, K728T.
Identifiers: ClinVar variation 2093600 (VCV002093600.5), dbSNP rs2552186626, ClinGen allele CA391351821.

ClinVar aggregate classification (germline): Uncertain significance. Review status: criteria provided, multiple submitters, no conflicts (2 of 4 stars). 2 submissions from 2 submitters: Uncertain significance (2). Last evaluated 2023-01-23.

Conditions:
Angelman syndrome (AS). Also called: HAPPY PUPPET SYNDROME. Identifiers: Orphanet 72, MedGen C0162635, MONDO:0007113, OMIM 105830. Disease mechanism: loss of function. Inheritance: AS is caused by disruption of maternally imprinted UBE3A located within the 15q11.2-q13 Angelman syndrome/Prader-Willi syndrome (AS/PWS) region., imprinting disorder.

Submissions (2):

Blueprint Genetics
Classification: Uncertain significance. Last evaluated: 2023-01-23. Review status: criteria provided, single submitter. Criteria: ACMG Guidelines, 2015. Collection method: clinical testing. Allele origin: germline.

Labcorp Genetics (formerly Invitae), Labcorp
Classification: Uncertain significance for Angelman syndrome. Last evaluated: 2022-02-05. Review status: criteria provided, single submitter. Criteria: Invitae Variant Classification Sherloc (09022015). Collection method: clinical testing. Allele origin: germline.
Comment: In summary, the available evidence is currently insufficient to determine the role of this variant in disease. Therefore, it has been classified as a Variant of Uncertain Significance. Algorithms developed to predict the effect of missense changes on protein structure and function are either unavailable or do not agree on the potential impact of this missense change (SIFT: "Not Available"; PolyPhen-2: "Benign"; Align-GVGD: "Not Available"). This variant has not been reported in the literature in individuals affected with UBE3A-related conditions. This variant is not present in population databases (gnomAD no frequency). This sequence change replaces lysine, which is basic and polar, with threonine, which is neutral and polar, at codon 708 of the UBE3A protein (p.Lys708Thr).